The following is an entry in ClinVar:

ClinVar aggregate classification (germline): Uncertain significance (1 of 4 stars; one submission).

Conditions:
Vertebral, cardiac, renal, and limb defects syndrome 2. Also called: KYNURENINASE DEFICIENCY, COMPLETE; CONGENITAL NAD DEFICIENCY DISORDER 2. Identifiers: MedGen C4540014, MONDO:0060555, OMIM 617661.

Allele frequency attached by ClinVar (database versions not stated): gnomAD exomes below 0.00001; ExAC 0.00001.
gnomAD v4.1: 2 of 1,610,732 alleles (0.00012%); highest among the groups gnomAD compares: Non-Finnish European, 0.00017%; no homozygotes.

Submission:

Institute of Human Genetics, University of Leipzig Medical Center
Classification: Uncertain significance for Vertebral, cardiac, renal, and limb defects syndrome 2. Last evaluated: 2023-08-29. Review status: criteria provided, single submitter. Criteria: ACMG Guidelines, 2015. Collection method: clinical testing. Allele origin: paternal. Inheritance: Autosomal recessive inheritance. Affected: yes.
Comment: Criteria applied: PM2_SUP,PP3, BP2; this variant has been detected in cis with NM_003937.3:c.256dup

NM_003937.3(KYNU):c.865T>C (p.Phe289Leu)

Gene: KYNU (kynureninase; plus strand). Cytogenetic location: 2q22.2.
Variant type: single nucleotide variant.
Coding change: c.865T>C on transcript NM_003937.3 (MANE Select); coding-DNA position 865, T replaced by C.
Protein change: p.Phe289Leu; replaces phenylalanine 289 with leucine.
Molecular consequence: missense variant.
Genome position (GRCh38, 1-based): chr2:142,985,984, T>C. VCF-style: chr2-142985984-T-C. GRCh37 (hg19) VCF-style: chr2-143743553-T-C.
Other names: c.865T>C, p.Phe289Leu (NM_001032998.2, NM_001199241.2); short protein forms F289L.
Identifiers: ClinVar variation 2578427 (VCV002578427.3), dbSNP rs754059081, ClinGen allele CA1896874.